The following is an entry in ClinVar:

ClinVar aggregate classification (germline): Uncertain significance (1 of 4 stars; one submission).

Submission:

Labcorp Genetics (formerly Invitae), Labcorp
Classification: Uncertain significance. Last evaluated: 2021-11-23. Review status: criteria provided, single submitter. Criteria: Invitae Variant Classification Sherloc (09022015). Collection method: clinical testing. Allele origin: germline.
Comment: In summary, the available evidence is currently insufficient to determine the role of this variant in disease. Therefore, it has been classified as a Variant of Uncertain Significance. Algorithms developed to predict the effect of missense changes on protein structure and function are either unavailable or do not agree on the potential impact of this missense change (SIFT: "Deleterious"; PolyPhen-2: "Benign"; Align-GVGD: "Class C0"). This variant has not been reported in the literature in individuals affected with MMP14-related conditions. This variant is not present in population databases (gnomAD no frequency). This sequence change replaces arginine, which is basic and polar, with serine, which is neutral and polar, at codon 569 of the MMP14 protein (p.Arg569Ser).

NM_004995.4(MMP14):c.1707G>T (p.Arg569Ser)

Gene: MMP14 (matrix metallopeptidase 14; plus strand). Cytogenetic location: 14q11.2.
Variant type: single nucleotide variant.
Coding change: c.1707G>T on transcript NM_004995.4 (MANE Select); coding-DNA position 1707, G replaced by T.
Protein change: p.Arg569Ser; replaces arginine 569 with serine.
Molecular consequence: missense variant.
Genome position (GRCh38, 1-based): chr14:22,845,997, G>T. VCF-style: chr14-22845997-G-T. GRCh37 (hg19) VCF-style: chr14-23315206-G-T.
Other names: short protein forms R569S.
Identifiers: ClinVar variation 1394787 (VCV001394787.6), dbSNP rs2138746223, ClinGen allele CA388935492.
Genomic context (GRCh38, chr14:22,845,997, plus strand): 5'-GCTCCTGGTGCTGGCGGTGGGCCTTGCAGTCTTCTTCTTCAGACGCCATGGGACCCCCAG[G>T]CGACTGCTCTACTGCCAGCGTTCCCTGCTGGACAAGGTCTGACGCCCACCGCCGGCCCGC-3'
Protein context (NP_004986.1, residues 559-579): VFFFRRHGTP[Arg569Ser]RLLYCQRSLL